The following is an entry in ClinVar:

ClinVar aggregate classification (germline): Uncertain significance (1 of 4 stars; one submission).

Allele frequency attached by ClinVar (database versions not stated): TOPMed 0.00014.
gnomAD v4.1: 38 of 1,613,158 alleles (0.0024%); highest among the groups gnomAD compares: African/African-American, 0.037%; 1 homozygote.

Submissions (2):

Labcorp Genetics (formerly Invitae), Labcorp
Classification: Uncertain significance. Last evaluated: 2026-01-21. Review status: criteria provided, single submitter. Criteria: Invitae Variant Classification Sherloc (09022015). Collection method: clinical testing. Allele origin: germline.
Comment: This sequence change replaces arginine, which is basic and polar, with cysteine, which is neutral and slightly polar, at codon 563 of the RUSC2 protein (p.Arg563Cys). This variant is present in population databases (rs761344885, gnomAD 0.05%). This variant has not been reported in the literature in individuals affected with RUSC2-related conditions. ClinVar contains an entry for this variant (Variation ID: 1421884). An algorithm developed to predict the effect of missense changes on protein structure and function (PolyPhen-2) suggests that this variant is likely to be disruptive. In summary, the available evidence is currently insufficient to determine the role of this variant in disease. Therefore, it has been classified as a Variant of Uncertain Significance.

Dr. Peter K. Rogan Lab, Western University
No classification provided (evidence only). Condition: Melanoma. Review status: no classification provided. Collection method: in vitro. Allele origin: not applicable. Functional consequence: retained intron. Not counted in ClinVar's aggregate classification.

NM_014806.5(RUSC2):c.1687C>T (p.Arg563Cys)

Gene: RUSC2 (RUN and SH3 domain containing 2; plus strand). Cytogenetic location: 9p13.3.
Variant type: single nucleotide variant.
Coding change: c.1687C>T on transcript NM_014806.5 (MANE Select); coding-DNA position 1687, C replaced by T.
Protein change: p.Arg563Cys; replaces arginine 563 with cysteine.
Molecular consequence: missense variant. On other transcripts: non-coding transcript variant (1), intron variant (1).
Genome position (GRCh38, 1-based): chr9:35,548,208, C>T. VCF-style: chr9-35548208-C-T. GRCh37 (hg19) VCF-style: chr9-35548205-C-T.
Other names: c.1687C>T, p.Arg563Cys (NM_001135999.2); c.-620-6852C>T (NM_001330740.2); short protein forms R563C.
Identifiers: ClinVar variation 1421884 (VCV001421884.7), dbSNP rs761344885, ClinGen allele CA5043712.